The following is an entry in ClinVar:

ClinVar aggregate classification (germline): Pathogenic (1 of 4 stars; one submission).

Conditions:
KBG syndrome (KBGS). Also called: ANKRD11-Related KBG Syndrome. Identifiers: Orphanet 2332, MedGen C0220687, MONDO:0007846, OMIM 148050.

Submission:

Labcorp Genetics (formerly Invitae), Labcorp
Classification: Pathogenic for KBG syndrome. Last evaluated: 2021-10-18. Review status: criteria provided, single submitter. Criteria: Invitae Variant Classification Sherloc (09022015). Collection method: clinical testing. Allele origin: germline.
Comment: For these reasons, this variant has been classified as Pathogenic. This premature translational stop signal has been observed in individual(s) with clinical features of Cornelia de Lange syndrome (PMID: 30945278). This variant is not present in population databases (ExAC no frequency). This sequence change creates a premature translational stop signal (p.Ser2208*) in the ANKRD11 gene. It is expected to result in an absent or disrupted protein product. Loss-of-function variants in ANKRD11 are known to be pathogenic (PMID: 21782149, 25125236, 25413698, 25652421).

Literature cited by the submitters: PubMed 30945278; PubMed 21782149; PubMed 25125236; PubMed 25413698; PubMed 25652421.

NM_013275.6(ANKRD11):c.6623C>A (p.Ser2208Ter)

Gene: ANKRD11 (ankyrin repeat domain 11; minus strand). Cytogenetic location: 16q24.3.
Variant type: single nucleotide variant.
Coding change: c.6623C>A on transcript NM_013275.6 (MANE Select); coding-DNA position 6623, C replaced by A.
Protein change: p.Ser2208Ter; replaces serine 2208 with a stop codon.
Molecular consequence: nonsense.
Genome position (GRCh38, 1-based): chr16:89,279,919, G>T on the plus strand (C>A on the coding strand, the complement: ANKRD11 is on the minus strand). VCF-style: chr16-89279919-G-T. GRCh37 (hg19) VCF-style: chr16-89346327-G-T.
Other names: c.6623C>A, p.Ser2208Ter (NM_001256182.2, NM_001256183.2); short protein forms S2208*.
Identifiers: ClinVar variation 1451129 (VCV001451129.6), dbSNP rs2151734908, ClinGen allele CA397150348.